The following is an entry in ClinVar:

ClinVar aggregate classification (germline): Pathogenic (3 of 4 stars; one submission).

Conditions:
Phenylketonuria (PKU). Also called: Phenylketonurias; FOLLING DISEASE; OLIGOPHRENIA PHENYLPYRUVICA; Phenylketonuria (PKU). Identifiers: Orphanet 716, MedGen C0031485, MONDO:0009861, OMIM 261600. Disease mechanism: loss of function.

Submission:

ClinGen PAH Variant Curation Expert Panel
Classification: Pathogenic for Phenylketonuria. Last evaluated: 2023-10-15. Review status: reviewed by expert panel. Criteria: ClinGen PAH ACMG Specifications v1. Collection method: curation. Allele origin: germline. Inheritance: Autosomal recessive inheritance.
Comment: The c.47_48dup (p.Asp17LeufsTer22) variant in PAH is a frameshift variant predicted to cause a premature stop codon in biologically-relevant-exon 1/13 leading to nonsense mediated decay in a gene in which loss-of-function is an established disease mechanism (PVS1). This variant is reported on 3 alleles of patients with phenylketonuria, with BH4 deficiency excluded (PP4_moderate, PMID: 21147011). This variant is absent from gnomAD v2.1.1 (PM2_Supporting). In summary, this variant meets the criteria to be classified as Pathogenic for autosomal recessive PAH deficiency based on the ACMG/AMP criteria applied, as specified by the ClinGen PAH VCEP: PVS1, PP4_moderate, PM2_supporting. (Phenylketonuria VCEP specifications version 1).

Literature cited by the submitters: PubMed 21147011.

NM_000277.3(PAH):c.47_48dup (p.Asp17fs)

Gene: PAH (phenylalanine hydroxylase; minus strand). Cytogenetic location: 12q23.2.
Variant type: Microsatellite.
Coding change: c.47_48dup on transcript NM_000277.3 (MANE Select); coding-DNA positions 47 to 48, 2 bases duplicated (CT; older notation c.47_48dupCT).
Protein change: p.Asp17fs; shifts the reading frame from aspartic acid 17.
Molecular consequence: frameshift variant.
Genome position (GRCh38, 1-based): chr12:102,917,083-102,917,084, AG duplicated on the plus strand (CT on the coding strand, the reverse complement: PAH is on the minus strand); duplicating any 2 consecutive bases within chr12:102,917,083-102,917,088 gives the same sequence; the c. name uses the placement nearest the transcript's 3' end. VCF-style (leftmost placement, unchanged base first): chr12-102917082-C-CAG. GRCh37 (hg19) VCF-style: chr12-103310860-C-CAG.
Other names: NM_000277.1:c.47_48dup; c.47_48dup, p.Asp17fs (NM_001354304.2); short protein forms D17fs.
Identifiers: ClinVar variation 2682165 (VCV002682165.1), dbSNP rs62642906, ClinGen allele CA16020717.